The following is an entry in ClinVar:

ClinVar aggregate classification (germline): Conflicting classifications of pathogenicity. Review status: criteria provided, conflicting classifications (1 of 4 stars). 3 submissions from 3 submitters: Likely pathogenic (1); Uncertain significance (2). Last evaluated 2023-11-02.

Conditions:
Charcot-Marie-Tooth Neuropathy X. Identifiers: MedGen CN118851.
Combined oxidative phosphorylation deficiency. Identifiers: MedGen C4540031, MONDO:0000732.
Charcot-Marie-Tooth disease X-linked recessive 4 (CMTX4). Also called: CHARCOT-MARIE-TOOTH DISEASE, X-LINKED RECESSIVE, 4, WITH OR WITHOUT CEREBELLAR ATAXIA; CHARCOT-MARIE-TOOTH DISEASE WITH DEAFNESS AND MENTAL RETARDATION; Cowchock syndrome. Identifiers: Orphanet 101078, MedGen C0795910, MONDO:0010689, OMIM 310490.

Submissions (3):

Labcorp Genetics (formerly Invitae), Labcorp
Classification: Likely pathogenic for Charcot-Marie-Tooth Neuropathy X; Combined oxidative phosphorylation deficiency. Last evaluated: 2023-11-02. Review status: criteria provided, single submitter. Criteria: Invitae Variant Classification Sherloc (09022015). Collection method: clinical testing. Allele origin: germline.
Comment: This sequence change replaces glutamic acid, which is acidic and polar, with lysine, which is basic and polar, at codon 336 of the AIFM1 protein (p.Glu336Lys). This variant is not present in population databases (gnomAD no frequency). This missense change has been observed in individuals with clinical features of AIFM1-related conditions (Invitae). ClinVar contains an entry for this variant (Variation ID: 641733). Advanced modeling of protein sequence and biophysical properties (such as structural, functional, and spatial information, amino acid conservation, physicochemical variation, residue mobility, and thermodynamic stability) performed at Invitae indicates that this missense variant is expected to disrupt AIFM1 protein function with a positive predictive value of 95%. In summary, the currently available evidence indicates that the variant is pathogenic, but additional data are needed to prove that conclusively. Therefore, this variant has been classified as Likely Pathogenic.

GeneDx
Classification: Uncertain significance. Last evaluated: 2023-09-21. Review status: criteria provided, single submitter. Criteria: GeneDx Variant Classification Process June 2021. Collection method: clinical testing. Allele origin: germline. Affected: yes.
Comment: Not observed at significant frequency in large population cohorts (gnomAD); In silico analysis supports that this missense variant has a deleterious effect on protein structure/function; Has not been previously published as pathogenic or benign to our knowledge

Servicio Canario de Salud, Hospital Universitario Nuestra Sra. de Candelaria
Classification: Uncertain significance for Charcot-Marie-Tooth disease X-linked recessive 4. Last evaluated: 2022-08-17. Review status: criteria provided, single submitter. Criteria: ACMG Guidelines, 2015. Collection method: clinical testing. Allele origin: germline. Inheritance: X-linked recessive inheritance. Affected: yes. Observed: 1 hemizygote.
Comment: To our knowledge, this variant has never been reported in ABCC9 related-disorders patients. This variant is not present in population databases (gnomAD no frequency). ClinVar contains an entry for this variant (Variation ID: 641733). In silico analysis (CADD, Mutation Taster, SIFT, PolyPhen2) supports that this missense variant has a deleterious effect on protein structure/function. To date there are no functional/experimental studies that evaluate the impact on protein. In summary, c.1006G>A (p.Glu336Lys) AIFM1 variant meets our criteria to be classified as Variant of Uncertain Significance-Probably Pathogenic based upon its absence from controls, computational evidence of pathogenicity and and the clinical correlation in this patient´s phenotype.

NM_004208.4(AIFM1):c.1006G>A (p.Glu336Lys)

Genes: RAB33A (RAB33A, member RAS oncogene family; plus strand), AIFM1 (apoptosis inducing factor mitochondria associated 1; minus strand). Cytogenetic location: Xq26.1.
Variant type: single nucleotide variant.
Coding change: c.1006G>A on transcript NM_004208.4 (MANE Select); coding-DNA position 1006, G replaced by A.
Protein change: p.Glu336Lys; replaces glutamic acid 336 with lysine.
Molecular consequence: missense variant. On other transcripts: 5 prime UTR variant (1), 3 prime UTR variant (1), non-coding transcript variant (1).
Genome position (GRCh38, 1-based): chrX:130,137,147, C>T on the plus strand (G>A on the coding strand, the complement: AIFM1 is on the minus strand). VCF-style: chrX-130137147-C-T. GRCh37 (hg19) VCF-style: chrX-129271122-C-T.
Other names: c.-12G>A (NM_001130846.4); c.*234G>A (NM_001130847.4); c.994G>A, p.Glu332Lys (NM_145812.3); short protein forms E336K, E332K.
Identifiers: ClinVar variation 641733 (VCV000641733.13), dbSNP rs1603223158, ClinGen allele CA414579884.